The following is an entry in ClinVar:

NM_153240.4(NPHP3):c.-59G>A

Genes: NPHP3 (nephrocystin 3; minus strand), NPHP3-ACAD11 (NPHP3-ACAD11 readthrough (NMD candidate); minus strand), NPHP3-AS1 (NPHP3 antisense RNA 1; plus strand). Cytogenetic location: 3q22.1.
Variant type: single nucleotide variant.
Coding change: c.-59G>A on transcript NM_153240.4; 59 bases upstream of the start codon, G replaced by A.
Molecular consequence: non-coding transcript variant (on NR_037804.1).
Genome position (GRCh38, 1-based): chr3:132,722,414, C>T on the plus strand (G>A on the coding strand, the complement: NPHP3 is on the minus strand). VCF-style: chr3-132722414-C-T. GRCh37 (hg19) VCF-style: chr3-132441258-C-T.
Identifiers: ClinVar variation 4978692 (VCV004978692.1).
Genomic context (GRCh38, chr3:132,722,414, plus strand): 5'-ATGGCGTCCGTTGCCGCTACTACCTAGTGAGTACCAGCAGGACTGGGCAGCGGAACGGAA[C>T]GGGACGGGGTGGGGCAGAGGAACGGAACGGGACGGGGCGGGGCAGAGGAACGGAACGGGA-3'

ClinVar aggregate classification (germline): Likely benign (1 of 4 stars; one submission).

Conditions:
NPHP3-related disorder. Also called: NPHP3-related disorders; NPHP3-related condition. Identifiers: MedGen CN379163.

Submission:

PreventionGenetics, part of Exact Sciences
Classification: Likely benign for NPHP3-related condition. Last evaluated: 2025-09-15. Review status: criteria provided, single submitter. Criteria: ACMG Guidelines, 2015. Collection method: clinical testing. Allele origin: germline.
Comment: This variant is classified as likely benign based on ACMG/AMP sequence variant interpretation guidelines (Richards et al. 2015 PMID: 25741868, with internal and published modifications).